The following is an entry in ClinVar:

NM_002637.4(PHKA1):c.3631G>A (p.Val1211Met)

Gene: PHKA1 (phosphorylase kinase regulatory subunit alpha 1; minus strand). Cytogenetic location: Xq13.1.
Variant type: single nucleotide variant.
Coding change: c.3631G>A on transcript NM_002637.4 (MANE Select); coding-DNA position 3631, G replaced by A.
Protein change: p.Val1211Met; replaces valine 1211 with methionine.
Molecular consequence: missense variant.
Genome position (GRCh38, 1-based): chrX:72,581,043, C>T on the plus strand (G>A on the coding strand, the complement: PHKA1 is on the minus strand). VCF-style: chrX-72581043-C-T. GRCh37 (hg19) VCF-style: chrX-71800893-C-T.
Other names: c.3592G>A, p.Val1198Met (NM_001122670.2); c.3415G>A, p.Val1139Met (NM_001172436.2); short protein forms V1211M, V1139M, V1198M.
Identifiers: ClinVar variation 465084 (VCV000465084.10), dbSNP rs1025423127, ClinGen allele CA331064469.

ClinVar aggregate classification (germline): Uncertain significance. Review status: criteria provided, multiple submitters, no conflicts (2 of 4 stars). 2 submissions from 2 submitters: Uncertain significance (2). Last evaluated 2025-06-11.

Conditions:
Glycogen storage disease IXd (GSD9D). Also called: GSD IXd; Muscle Phosphorylase Kinase Deficiency. Identifiers: Orphanet 715, MedGen C1845151, MONDO:0010362, OMIM 300559.
Inborn genetic diseases. Identifiers: MedGen C0950123, MeSH D030342.

Allele frequency attached by ClinVar (database versions not stated): gnomAD exomes 0.00001 and 0.00002; TOPMed 0.00001; gnomAD 0.00003.
gnomAD v4.1: 27 of 1,209,496 alleles (0.0022%); highest among the groups gnomAD compares: Admixed American, 0.0066%; no homozygotes.

Submissions (2):

Ambry Genetics
Classification: Uncertain significance for Inborn genetic diseases. Last evaluated: 2025-06-11. Review status: criteria provided, single submitter. Criteria: Ambry Variant Classification Scheme 2023. Collection method: clinical testing. Allele origin: germline.

Labcorp Genetics (formerly Invitae), Labcorp
Classification: Uncertain significance for Glycogen storage disease IXd. Last evaluated: 2024-06-30. Review status: criteria provided, single submitter. Criteria: Invitae Variant Classification Sherloc (09022015). Collection method: clinical testing. Allele origin: germline.
Comment: This sequence change replaces valine, which is neutral and non-polar, with methionine, which is neutral and non-polar, at codon 1211 of the PHKA1 protein (p.Val1211Met). This variant is present in population databases (no rsID available, gnomAD 0.004%). This variant has not been reported in the literature in individuals affected with PHKA1-related conditions. ClinVar contains an entry for this variant (Variation ID: 465084). An algorithm developed to predict the effect of missense changes on protein structure and function (PolyPhen-2) suggests that this variant is likely to be disruptive. In summary, the available evidence is currently insufficient to determine the role of this variant in disease. Therefore, it has been classified as a Variant of Uncertain Significance.